The following is an entry in ClinVar:

NM_144572.2(TBC1D2B):c.2270+4G>A

Gene: TBC1D2B (TBC1 domain family member 2B; minus strand). Cytogenetic location: 15q25.1.
Variant type: single nucleotide variant.
Coding change: c.2270+4G>A on transcript NM_144572.2 (MANE Select); 4 bases into the intron after coding-DNA position 2270, G replaced by A.
Molecular consequence: intron variant.
Genome position (GRCh38, 1-based): chr15:78,012,819, C>T on the plus strand (G>A on the coding strand, the complement: TBC1D2B is on the minus strand). VCF-style: chr15-78012819-C-T. GRCh37 (hg19) VCF-style: chr15-78305161-C-T.
Other names: c.2267+4G>A (NM_001387143.1); c.2270+4G>A (NM_015079.6, NM_001387142.1, NM_001387144.1); c.1820+4G>A (NM_001387149.1); c.1934+4G>A (NM_001387146.1, NM_001387145.1, NM_001387148.1 and 1 more transcripts).
Identifiers: ClinVar variation 1694761 (VCV001694761.31), dbSNP rs77039980, ClinGen allele CA7679274.
Genomic context (GRCh38, chr15:78,012,819, plus strand): 5'-AGGCAGCACCGGTGCCTACAAGTTGCCTAATGGCAAATGGGAACATTTTGTGCTGTGCAC[C>T]CACCTGTTTAGGCCTTGACAGTAGCCGATATCTGGATTCCGCCAGGAGAAGGCGAGGAGG-3'

ClinVar aggregate classification (germline): Benign (1 of 4 stars; one submission).

Allele frequency attached by ClinVar (database versions not stated): 1000 Genomes Project 0.00379; 1000 Genomes Project 30x 0.00422; gnomAD 0.00749 and 0.00764; TOPMed 0.00765; gnomAD exomes 0.00784 and 0.01355; ExAC 0.00791; ESP Exome Variant Server 0.01009.
gnomAD v4.1: 19,197 of 1,494,160 alleles (1.3%); highest among the groups gnomAD compares: Non-Finnish European, 1.6%; 186 homozygotes.

Submission:

CeGaT Center for Human Genetics Tuebingen
Classification: Benign. Last evaluated: 2024-02-01. Review status: criteria provided, single submitter. Criteria: CeGaT Center For Human Genetics Tuebingen Variant Classification Criteria Version 2. Collection method: clinical testing. Allele origin: germline. Affected: yes. Observed: 20 variant alleles.
Comment: TBC1D2B: BP4, BS1, BS2